The following is an entry in ClinVar:

NM_001429.4(EP300):c.6215G>A (p.Ser2072Asn)

Gene: EP300 (EP300 lysine acetyltransferase; plus strand). Cytogenetic location: 22q13.2.
Variant type: single nucleotide variant.
Coding change: c.6215G>A on transcript NM_001429.4 (MANE Select); coding-DNA position 6215, G replaced by A.
Protein change: p.Ser2072Asn; replaces serine 2072 with asparagine.
Molecular consequence: missense variant.
Genome position (GRCh38, 1-based): chr22:41,177,926, G>A. VCF-style: chr22-41177926-G-A. GRCh37 (hg19) VCF-style: chr22-41573930-G-A.
Other names: c.6137G>A, p.Ser2046Asn (NM_001362843.2); short protein forms S2072N, S2046N.
Identifiers: ClinVar variation 4736893 (VCV004736893.1).

ClinVar aggregate classification (germline): Uncertain significance (1 of 4 stars; one submission).

Conditions:
Rubinstein-Taybi syndrome due to EP300 haploinsufficiency. Also called: RUBINSTEIN-TAYBI SYNDROME 2; EP300-Related Rubinstein-Taybi Syndrome. Identifiers: Orphanet 353284, Orphanet 783, MedGen C3150941, MONDO:0013364, OMIM 613684.

gnomAD v4.1: 2 of 1,614,188 alleles (0.00012%); highest among the groups gnomAD compares: Middle Eastern, 0.016%; no homozygotes.

Submission:

Labcorp Genetics (formerly Invitae), Labcorp
Classification: Uncertain significance for Rubinstein-Taybi syndrome due to EP300 haploinsufficiency. Last evaluated: 2025-10-05. Review status: criteria provided, single submitter. Criteria: Invitae Variant Classification Sherloc (09022015). Collection method: clinical testing. Allele origin: germline.
Comment: This sequence change replaces serine, which is neutral and polar, with asparagine, which is neutral and polar, at codon 2072 of the EP300 protein (p.Ser2072Asn). This variant is not present in population databases (gnomAD no frequency). This variant has not been reported in the literature in individuals affected with EP300-related conditions. Invitae Evidence Modeling of protein sequence and biophysical properties (such as structural, functional, and spatial information, amino acid conservation, physicochemical variation, residue mobility, and thermodynamic stability) indicates that this missense variant is not expected to disrupt EP300 protein function with a negative predictive value of 95%. In summary, the available evidence is currently insufficient to determine the role of this variant in disease. Therefore, it has been classified as a Variant of Uncertain Significance.